The following is an entry in ClinVar:

ClinVar aggregate classification (germline): Uncertain significance. Review status: criteria provided, multiple submitters, no conflicts (2 of 4 stars). 2 submissions from 2 submitters: Uncertain significance (2). Last evaluated 2026-07-07.

Conditions:
Hereditary cancer-predisposing syndrome. Also called: Hereditary Cancer Syndrome; Hereditary neoplastic syndrome; Neoplastic Syndromes, Hereditary; Tumor predisposition. Identifiers: Orphanet 140162, MedGen C0027672, MeSH D009386, MONDO:0015356.
Hereditary nonpolyposis colorectal neoplasms. Identifiers: MedGen C0009405, MeSH D003123.

Submissions (2):

Ambry Genetics
Classification: Uncertain significance for Hereditary cancer-predisposing syndrome. Last evaluated: 2026-07-07. Review status: criteria provided, single submitter. Criteria: Ambry Variant Classification Scheme 2023. Collection method: clinical testing. Allele origin: germline.
Comment: The p.N1259S variant (also known as c.3776A>G), located in coding exon 8 of the MSH6 gene, results from an A to G substitution at nucleotide position 3776. The asparagine at codon 1259 is replaced by serine, an amino acid with highly similar properties. This amino acid position is conserved. In addition, this alteration is predicted to be tolerated by in silico analysis. Based on the available evidence, the clinical significance of this variant remains unclear.

Labcorp Genetics (formerly Invitae), Labcorp
Classification: Uncertain significance for Hereditary nonpolyposis colorectal neoplasms. Last evaluated: 2025-05-11. Review status: criteria provided, single submitter. Criteria: Invitae Variant Classification Sherloc (09022015). Collection method: clinical testing. Allele origin: germline.
Comment: This sequence change replaces asparagine, which is neutral and polar, with serine, which is neutral and polar, at codon 1259 of the MSH6 protein (p.Asn1259Ser). This variant is not present in population databases (gnomAD no frequency). This variant has not been reported in the literature in individuals affected with MSH6-related conditions. Invitae Evidence Modeling of protein sequence and biophysical properties (such as structural, functional, and spatial information, amino acid conservation, physicochemical variation, residue mobility, and thermodynamic stability) indicates that this missense variant is not expected to disrupt MSH6 protein function with a negative predictive value of 95%. In summary, the available evidence is currently insufficient to determine the role of this variant in disease. Therefore, it has been classified as a Variant of Uncertain Significance.

NM_000179.3(MSH6):c.3776A>G (p.Asn1259Ser)

Gene: MSH6 (mutS homolog 6; plus strand). Cytogenetic location: 2p16.3.
Variant type: single nucleotide variant.
Coding change: c.3776A>G on transcript NM_000179.3 (MANE Select); coding-DNA position 3776, A replaced by G.
Protein change: p.Asn1259Ser; replaces asparagine 1259 with serine.
Molecular consequence: missense variant. On other transcripts: non-coding transcript variant (5).
Genome position (GRCh38, 1-based): chr2:47,806,333, A>G. VCF-style: chr2-47806333-A-G. GRCh37 (hg19) VCF-style: chr2-48033472-A-G.
Other names: c.2870A>G, p.Asn957Ser (NM_001406829.1, NM_001281493.2, NM_001281494.2 and 6 more transcripts); c.3479A>G, p.Asn1160Ser (NM_001406830.1, NM_001406797.1, NM_001406801.1 and 10 more transcripts); c.557A>G, p.Asn186Ser (NM_001406831.1); c.623A>G, p.Asn208Ser (NM_001406832.1); c.1721A>G, p.Asn574Ser (NM_001407362.1); c.3386A>G, p.Asn1129Ser (NM_001281492.2); c.3872A>G, p.Asn1291Ser (NM_001406795.1, NM_001406802.1); c.3776A>G, p.Asn1259Ser (NM_001406796.1, NM_001406800.1, NM_001406808.1 and 1 more transcripts); and 7 more; short protein forms N1084S, N1129S, N1160S, N1201S, N1203S, N1233S, N1259S, N1261S.
Identifiers: ClinVar variation 4800235 (VCV004800235.2).